The following is an entry in ClinVar:

ClinVar aggregate classification (germline): Uncertain significance (1 of 4 stars; one submission).

Conditions:
Aortic valve disease 2 (AOVD2). Identifiers: MedGen C3542024, MONDO:0013902, OMIM 614823.

Allele frequency attached by ClinVar (database versions not stated): gnomAD 0.00001.

Submission:

Labcorp Genetics (formerly Invitae), Labcorp
Classification: Uncertain significance for Aortic valve disease 2. Last evaluated: 2022-11-17. Review status: criteria provided, single submitter. Criteria: Invitae Variant Classification Sherloc (09022015). Collection method: clinical testing. Allele origin: germline.
Comment: This variant has not been reported in the literature in individuals affected with SMAD6-related conditions. This variant is not present in population databases (gnomAD no frequency). This sequence change replaces aspartic acid, which is acidic and polar, with asparagine, which is neutral and polar, at codon 140 of the SMAD6 protein (p.Asp140Asn). Algorithms developed to predict the effect of missense changes on protein structure and function (SIFT, PolyPhen-2, Align-GVGD) all suggest that this variant is likely to be tolerated. In summary, the available evidence is currently insufficient to determine the role of this variant in disease. Therefore, it has been classified as a Variant of Uncertain Significance.

NM_005585.5(SMAD6):c.418G>A (p.Asp140Asn)

Gene: SMAD6 (SMAD family member 6; plus strand). Cytogenetic location: 15q22.31.
Variant type: single nucleotide variant.
Coding change: c.418G>A on transcript NM_005585.5 (MANE Select); coding-DNA position 418, G replaced by A.
Protein change: p.Asp140Asn; replaces aspartic acid 140 with asparagine.
Molecular consequence: missense variant. On other transcripts: non-coding transcript variant (1).
Genome position (GRCh38, 1-based): chr15:66,703,676, G>A. VCF-style: chr15-66703676-G-A. GRCh37 (hg19) VCF-style: chr15-66996014-G-A.
Other names: short protein forms D140N.
Identifiers: ClinVar variation 2908058 (VCV002908058.3), dbSNP rs1893033641, ClinGen allele CA392949512.